The following is an entry in ClinVar:

NM_201384.3(PLEC):c.6162C>T (p.His2054=)

Gene: PLEC (plectin; minus strand). Cytogenetic location: 8q24.3.
Variant type: single nucleotide variant.
Coding change: c.6162C>T on transcript NM_201384.3 (MANE Select); coding-DNA position 6162, C replaced by T.
Protein change: p.His2054=; no amino-acid change (histidine 2054 retained).
Molecular consequence: synonymous variant.
Genome position (GRCh38, 1-based): chr8:143,923,767, G>A on the plus strand (C>T on the coding strand, the complement: PLEC is on the minus strand). VCF-style: chr8-143923767-G-A. GRCh37 (hg19) VCF-style: chr8-144997935-G-A.
Other names: p.His2040=; c.6243C>T, p.His2081= (NM_000445.5); c.6120C>T, p.His2040= (NM_201378.4); c.6096C>T, p.His2032= (NM_201379.3); c.6573C>T, p.His2191= (NM_201380.4); c.6066C>T, p.His2022= (NM_201381.3); c.6162C>T, p.His2054= (NM_201382.4); c.6174C>T, p.His2058= (NM_201383.3).
Identifiers: ClinVar variation 196756 (VCV000196756.28), dbSNP rs563719398, ClinGen allele CA202564.

ClinVar aggregate classification (germline): Conflicting classifications of pathogenicity. Review status: criteria provided, conflicting classifications (1 of 4 stars). 8 submissions from 8 submitters: Uncertain significance (1); Benign (4); Likely benign (3). Last evaluated 2026-07-01.

Conditions:
Epidermolysis bullosa simplex 5B, with muscular dystrophy (EBS5B). Also called: Epidermolysis bullosa simplex with muscular dystrophy; EPIDERMOLYSIS BULLOSA SIMPLEX AND LIMB-GIRDLE MUSCULAR DYSTROPHY. Identifiers: Orphanet 257, MedGen C2931072, MONDO:0009181, OMIM 226670.
Epidermolysis bullosa simplex with nail dystrophy (EBS5D). Identifiers: MedGen C4225309, MONDO:0014661, OMIM 616487.
Autosomal recessive limb-girdle muscular dystrophy type 2Q (LGMDR17). Also called: MUSCULAR DYSTROPHY, LIMB-GIRDLE, AUTOSOMAL RECESSIVE 17. Identifiers: Orphanet 254361, MedGen C3150989, MONDO:0013390, OMIM 613723.
Epidermolysis bullosa simplex 5C, with pyloric atresia (EBS5C). Also called: PLEC-Related Epidermolysis Bullosa with Pyloric Atresia; PLEC1-Related Epidermolysis Bullosa with Pyloric Atresia; Epidermolysis bullosa simplex with pyloric atresia. Identifiers: Orphanet 158684, MedGen C2677349, MONDO:0012807, OMIM 612138.
Epidermolysis bullosa simplex, Ogna type (EBS5A). Also called: Pidermolysis bullosa simplex 5A, Ogna type; EPIDERMOLYSIS BULLOSA SIMPLEX 5A, OGNA TYPE. Identifiers: Orphanet 79401, MedGen C0432317, MONDO:0007555, OMIM 131950.

Allele frequency attached by ClinVar (database versions not stated): 1000 Genomes Project 30x 0.00016; 1000 Genomes Project 0.00020; gnomAD exomes 0.00026 and 0.00172; gnomAD 0.00032 and 0.00034; TOPMed 0.00084; ExAC 0.00192.
gnomAD v4.1: 409 of 1,565,504 alleles (0.026%); highest among the groups gnomAD compares: Admixed American, 0.65%; 3 homozygotes.

Submissions (8):

CeGaT Center for Human Genetics Tuebingen
Classification: Likely benign. Last evaluated: 2026-07-01. Review status: criteria provided, single submitter. Criteria: CeGaT Center For Human Genetics Tuebingen Variant Classification Criteria Version 2. Collection method: clinical testing. Allele origin: germline. Affected: yes. Observed: 2 variant alleles.
Comment: PLEC: BP4, BP7

Labcorp Genetics (formerly Invitae), Labcorp
Classification: Benign for Autosomal recessive limb-girdle muscular dystrophy type 2Q; Epidermolysis bullosa simplex, Ogna type; Epidermolysis bullosa simplex with nail dystrophy; Epidermolysis bullosa simplex 5C, with pyloric atresia; Epidermolysis bullosa simplex 5B, with muscular dystrophy. Last evaluated: 2026-01-19. Review status: criteria provided, single submitter. Criteria: Invitae Variant Classification Sherloc (09022015). Collection method: clinical testing. Allele origin: germline.

Blueprint Genetics
Classification: Likely benign. Last evaluated: 2024-11-15. Review status: criteria provided, single submitter. Criteria: ACMG Guidelines, 2015. Collection method: clinical testing. Allele origin: germline.

Mayo Clinic Laboratories, Mayo Clinic
Classification: Benign. Last evaluated: 2024-04-30. Review status: criteria provided, single submitter. Criteria: ACMG Guidelines, 2015. Collection method: clinical testing. Allele origin: germline. Observed: 3 variant alleles.
Comment: BA1, BP4, BP7

GeneDx
Classification: Likely benign. Last evaluated: 2020-11-02. Review status: criteria provided, single submitter. Criteria: GeneDx Variant Classification Process June 2021. Collection method: clinical testing. Allele origin: germline. Affected: yes.

Athena Diagnostics
Classification: Benign. Last evaluated: 2016-12-28. Review status: criteria provided, single submitter. Criteria: Athena Diagnostics Criteria. Collection method: clinical testing. Allele origin: germline.

Eurofins Ntd Llc (ga)
Classification: Benign. Last evaluated: 2016-02-12. Review status: criteria provided, single submitter. Criteria: EGL Classification Definitions 2015. Collection method: clinical testing. Allele origin: germline. Observed: 2 variant alleles, 2 heterozygotes.

Genetic Services Laboratory, University of Chicago
Classification: Uncertain significance. Last evaluated: 2015-03-09. Review status: criteria provided, single submitter. Criteria: ACMG Guidelines, 2015. Collection method: clinical testing. Allele origin: germline.